The following is an entry in ClinVar:

ClinVar aggregate classification (germline): Conflicting classifications of pathogenicity. Review status: criteria provided, conflicting classifications (1 of 4 stars). 2 submissions from 2 submitters: Uncertain significance (1); Likely benign (1). Last evaluated 2024-05-22.

Conditions:
Haddad syndrome (OHD). Also called: Ondine-Hirschsprung disease. Identifiers: Orphanet 99803, MedGen C1859049, MONDO:0020493.
Hereditary cancer-predisposing syndrome. Also called: Neoplastic Syndromes, Hereditary; Tumor predisposition; Hereditary Cancer Syndrome; Hereditary neoplastic syndrome. Identifiers: Orphanet 140162, MedGen C0027672, MeSH D009386, MONDO:0015356.

Allele frequency attached by ClinVar (database versions not stated): gnomAD exomes 0.00002; ExAC 0.00004.

Submissions (2):

Labcorp Genetics (formerly Invitae), Labcorp
Classification: Uncertain significance for Haddad syndrome. Last evaluated: 2024-05-22. Review status: criteria provided, single submitter. Criteria: Invitae Variant Classification Sherloc (09022015). Collection method: clinical testing. Allele origin: germline.
Comment: This sequence change replaces asparagine, which is neutral and polar, with serine, which is neutral and polar, at codon 302 of the PHOX2B protein (p.Asn302Ser). This variant is present in population databases (rs779068107, gnomAD 0.01%), including at least one homozygous and/or hemizygous individual. This variant has not been reported in the literature in individuals affected with PHOX2B-related conditions. ClinVar contains an entry for this variant (Variation ID: 535771). Experimental studies and prediction algorithms are not available or were not evaluated, and the functional significance of this variant is currently unknown. In summary, the available evidence is currently insufficient to determine the role of this variant in disease. Therefore, it has been classified as a Variant of Uncertain Significance.

Ambry Genetics
Classification: Likely benign for Hereditary cancer-predisposing syndrome. Last evaluated: 2023-03-16. Review status: criteria provided, single submitter. Criteria: Ambry Variant Classification Scheme 2023. Collection method: clinical testing. Allele origin: germline.

NM_003924.4(PHOX2B):c.905A>G (p.Asn302Ser)

Gene: PHOX2B (paired like homeobox 2B; minus strand). Cytogenetic location: 4p13.
Variant type: single nucleotide variant.
Coding change: c.905A>G on transcript NM_003924.4 (MANE Select); coding-DNA position 905, A replaced by G.
Protein change: p.Asn302Ser; replaces asparagine 302 with serine.
Molecular consequence: missense variant.
Genome position (GRCh38, 1-based): chr4:41,745,847, T>C on the plus strand (A>G on the coding strand, the complement: PHOX2B is on the minus strand). VCF-style: chr4-41745847-T-C. GRCh37 (hg19) VCF-style: chr4-41747864-T-C.
Other names: short protein forms N302S.
Identifiers: ClinVar variation 535771 (VCV000535771.12), dbSNP rs779068107, ClinGen allele CA2901396.